The following is an entry in ClinVar:

ClinVar aggregate classification (germline): Uncertain significance. Review status: criteria provided, multiple submitters, no conflicts (2 of 4 stars). 6 submissions from 6 submitters: Uncertain significance (6). Last evaluated 2026-07-21.

Conditions:
Charcot-Marie-Tooth disease type 4B2. Also called: Charcot-Marie-Tooth Neuropathy Type 4B2; CHARCOT-MARIE-TOOTH DISEASE, DEMYELINATING, TYPE 4B2; CHARCOT-MARIE-TOOTH DISEASE, WITH FOCALLY FOLDED MYELIN SHEATHS, AUTOSOMAL RECESSIVE, TYPE 4B2; CMT 4B2. Identifiers: Orphanet 99956, MedGen C1858278, MONDO:0011475, OMIM 604563.
Inborn genetic diseases. Identifiers: MedGen C0950123, MeSH D030342.
Charcot-Marie-Tooth disease type 4. Also called: Charcot-Marie-Tooth disease, type IV; Charcot-Marie-Tooth, Type 4. Identifiers: Orphanet 64749, MedGen C4082197, MONDO:0018995.

Allele frequency attached by ClinVar (database versions not stated): TOPMed 0.00007; ExAC 0.00002; gnomAD 0.00004 and 0.00005; gnomAD exomes 0.00002; ESP Exome Variant Server 0.00008.
gnomAD v4.1: 44 of 1,614,072 alleles (0.0027%); highest among the groups gnomAD compares: Middle Eastern, 0.016%; no homozygotes.

Submissions (6):

GeneDx
Classification: Uncertain significance. Last evaluated: 2026-07-21. Review status: criteria provided, single submitter. Criteria: GeneDx Variant Classification Process June 2021. Collection method: clinical testing. Allele origin: germline.
Comment: In silico analysis suggests that this missense variant does not alter protein structure/function; Has not been previously published as pathogenic or benign to our knowledge

Mayo Clinic Laboratories, Mayo Clinic
Classification: Uncertain significance. Last evaluated: 2024-07-01. Review status: criteria provided, single submitter. Criteria: ACMG Guidelines, 2015. Collection method: clinical testing. Allele origin: germline. Observed: 1 variant allele.
Comment: PM2

Ambry Genetics
Classification: Uncertain significance for Inborn genetic diseases. Last evaluated: 2023-09-22. Review status: criteria provided, single submitter. Criteria: Ambry Variant Classification Scheme 2023. Collection method: clinical testing. Allele origin: germline.

Labcorp Genetics (formerly Invitae), Labcorp
Classification: Uncertain significance for Charcot-Marie-Tooth disease type 4. Last evaluated: 2021-08-30. Review status: criteria provided, single submitter. Criteria: Invitae Variant Classification Sherloc (09022015). Collection method: clinical testing. Allele origin: germline.
Comment: This sequence change replaces isoleucine with valine at codon 1055 of the SBF2 protein (p.Ile1055Val). The isoleucine residue is moderately conserved and there is a small physicochemical difference between isoleucine and valine. This variant is present in population databases (rs142891020, ExAC 0.004%). This variant has not been reported in the literature in individuals affected with SBF2-related conditions. Algorithms developed to predict the effect of missense changes on protein structure and function (SIFT, PolyPhen-2, Align-GVGD) all suggest that this variant is likely to be tolerated. In summary, the available evidence is currently insufficient to determine the role of this variant in disease. Therefore, it has been classified as a Variant of Uncertain Significance.

Illumina Laboratory Services, Illumina
Classification: Uncertain significance for Charcot-Marie-Tooth disease type 4B2. Last evaluated: 2018-01-12. Review status: criteria provided, single submitter. Criteria: ICSL Variant Classification Criteria 13 December 2019. Collection method: clinical testing. Allele origin: germline.

ARUP Laboratories, Molecular Genetics and Genomics, ARUP Laboratories
Classification: Uncertain significance. Last evaluated: 2017-11-09. Review status: criteria provided, single submitter. Criteria: ARUP Molecular Germline Variant Investigation Process. Collection method: clinical testing. Allele origin: germline.
Comment: The p.Ile1055Val variant (rs142891020) has not been reported in the medical literature, and it is not listed in gene-specific variant databases. The p.Ile1055Val variant is listed in the Genome Aggregation Database (gnomAD) browser with an overall allele frequency of 0.002% (identified in 5 out of 246,176 chromosomes). The isoleucine at codon 1055 is moderately conserved considering 11 species (Alamut software v2.10.0), and computational analyses predict conflicting effects of this variant on protein structure/function (SIFT: tolerated, PolyPhen2: benign, MutationTaster: disease causing). Based on the available information, the clinical significance of the p.Ile1055Val variant cannot be determined with certainty.

NM_030962.4(SBF2):c.3163A>G (p.Ile1055Val)

Genes: SBF2 (SET binding factor 2; minus strand), LOC101928008 (uncharacterized LOC101928008; plus strand). Cytogenetic location: 11p15.4.
Variant type: single nucleotide variant.
Coding change: c.3163A>G on transcript NM_030962.4 (MANE Select); coding-DNA position 3163, A replaced by G.
Protein change: p.Ile1055Val; replaces isoleucine 1055 with valine.
Molecular consequence: missense variant.
Genome position (GRCh38, 1-based): chr11:9,842,718, T>C on the plus strand (A>G on the coding strand, the complement: SBF2 is on the minus strand). VCF-style: chr11-9842718-T-C. GRCh37 (hg19) VCF-style: chr11-9864265-T-C.
Other names: c.3163A>G, p.Ile1055Val (NM_001386339.1); c.3034A>G, p.Ile1012Val (NM_001386342.1); short protein forms I1055V, I1012V.
Identifiers: ClinVar variation 476922 (VCV000476922.21), dbSNP rs142891020, ClinGen allele CA5881356.